The following is an entry in ClinVar:

ClinVar aggregate classification (germline): Uncertain significance. Review status: criteria provided, multiple submitters, no conflicts (2 of 4 stars). 2 submissions from 2 submitters: Uncertain significance (2). Last evaluated 2025-02-06.

Conditions:
Inborn genetic diseases. Identifiers: MedGen C0950123, MeSH D030342.

gnomAD v4.1: 5 of 1,595,190 alleles (0.00031%); highest among the groups gnomAD compares: Non-Finnish European, 0.00043%; no homozygotes.

Submissions (2):

Women's Health and Genetics/Laboratory Corporation of America, LabCorp
Classification: Uncertain significance. Last evaluated: 2025-02-06. Review status: criteria provided, single submitter. Criteria: LabCorp Variant Classification Summary - May 2015. Collection method: clinical testing. Allele origin: germline.
Comment: Variant summary: ADGRV1 c.309T>A (p.Asp103Glu) results in a conservative amino acid change located in the Na-Ca exchanger/integrin-beta4 domain (IPR003644) of the encoded protein sequence. Three of five in-silico tools predict a damaging effect of the variant on protein function. The variant was absent in 219144 control chromosomes. The available data on variant occurrences in the general population are insufficient to allow any conclusion about variant significance. To our knowledge, no occurrence of c.309T>A in individuals affected with ADGRV1-Related Disorders and no experimental evidence demonstrating its impact on protein function have been reported. ClinVar contains an entry for this variant (Variation ID: 3500759). Based on the evidence outlined above, the variant was classified as uncertain significance.

Ambry Genetics
Classification: Uncertain significance for Inborn genetic diseases. Last evaluated: 2024-11-11. Review status: criteria provided, single submitter. Criteria: Ambry Variant Classification Scheme 2023. Collection method: clinical testing. Allele origin: germline.

NM_032119.4(ADGRV1):c.309T>A (p.Asp103Glu)

Gene: ADGRV1 (adhesion G protein-coupled receptor V1; plus strand). Cytogenetic location: 5q14.3.
Variant type: single nucleotide variant.
Coding change: c.309T>A on transcript NM_032119.4 (MANE Select); coding-DNA position 309, T replaced by A.
Protein change: p.Asp103Glu; replaces aspartic acid 103 with glutamic acid.
Molecular consequence: missense variant. On other transcripts: non-coding transcript variant (1).
Genome position (GRCh38, 1-based): chr5:90,617,905, T>A. VCF-style: chr5-90617905-T-A. GRCh37 (hg19) VCF-style: chr5-89913722-T-A.
Other names: short protein forms D103E.
Identifiers: ClinVar variation 3500759 (VCV003500759.2).